The following is an entry in ClinVar:

NM_007126.5(VCP):c.237T>A (p.Asp79Glu)

Gene: VCP (valosin containing protein; minus strand). Cytogenetic location: 9p13.3.
Variant type: single nucleotide variant.
Coding change: c.237T>A on transcript NM_007126.5 (MANE Select); coding-DNA position 237, T replaced by A.
Protein change: p.Asp79Glu; replaces aspartic acid 79 with glutamic acid.
Molecular consequence: missense variant.
Genome position (GRCh38, 1-based): chr9:35,067,956, A>T on the plus strand (T>A on the coding strand, the complement: VCP is on the minus strand). VCF-style: chr9-35067956-A-T. GRCh37 (hg19) VCF-style: chr9-35067953-A-T.
Other names: c.102T>A, p.Asp34Glu (NM_001354927.2, NM_001354928.2); short protein forms D34E, D79E.
Identifiers: ClinVar variation 1014881 (VCV001014881.36), dbSNP rs746810092, ClinGen allele CA5039528.

ClinVar aggregate classification (germline): Uncertain significance. Review status: criteria provided, multiple submitters, no conflicts (2 of 4 stars). 4 submissions from 4 submitters: Uncertain significance (4). Last evaluated 2025-02-16.

Conditions:
Inclusion body myopathy with Paget disease of bone and frontotemporal dementia. Also called: Inclusion body myopathy with early-onset Paget disease and frontotemporal dementia. Identifiers: Orphanet 52430, MedGen C1833662, MONDO:0000507.
Frontotemporal dementia and/or amyotrophic lateral sclerosis 6 (FTDALS6). Also called: VCP-Related Amyotrophic Lateral Sclerosis; VCP-Related Amyotrophic Lateral Sclerosis/Frontotemporal Dementia. Identifiers: Orphanet 275872, Orphanet 803, MedGen C5436279, MONDO:0013501, OMIM 613954.

Allele frequency attached by ClinVar (database versions not stated): gnomAD 0.00001; gnomAD exomes 0.00001 and 0.00002; ExAC 0.00003.
gnomAD v4.1: 6 of 1,614,124 alleles (0.00037%); highest among the groups gnomAD compares: Non-Finnish European, 0.00051%; no homozygotes.

Submissions (4):

Laboratory of Genetics, Children's Clinical University Hospital Latvia
Classification: Uncertain significance. Last evaluated: 2025-02-16. Review status: criteria provided, single submitter. Criteria: ACMG Guidelines, 2015. Collection method: clinical testing. Allele origin: germline. Affected: yes.

Labcorp Genetics (formerly Invitae), Labcorp
Classification: Uncertain significance for Inclusion body myopathy with Paget disease of bone and frontotemporal dementia; Frontotemporal dementia and/or amyotrophic lateral sclerosis 6. Last evaluated: 2023-10-18. Review status: criteria provided, single submitter. Criteria: Invitae Variant Classification Sherloc (09022015). Collection method: clinical testing. Allele origin: germline.
Comment: This sequence change replaces aspartic acid, which is acidic and polar, with glutamic acid, which is acidic and polar, at codon 79 of the VCP protein (p.Asp79Glu). This variant is present in population databases (rs746810092, gnomAD 0.004%). This variant has not been reported in the literature in individuals affected with VCP-related conditions. ClinVar contains an entry for this variant (Variation ID: 1014881). Advanced modeling of protein sequence and biophysical properties (such as structural, functional, and spatial information, amino acid conservation, physicochemical variation, residue mobility, and thermodynamic stability) performed at Invitae indicates that this missense variant is not expected to disrupt VCP protein function. In summary, the available evidence is currently insufficient to determine the role of this variant in disease. Therefore, it has been classified as a Variant of Uncertain Significance.

CeGaT Center for Human Genetics Tuebingen
Classification: Uncertain significance. Last evaluated: 2023-01-01. Review status: criteria provided, single submitter. Criteria: CeGaT Center For Human Genetics Tuebingen Variant Classification Criteria Version 2. Collection method: clinical testing. Allele origin: germline. Affected: yes. Observed: 1 variant allele.
Comment: VCP: PP2

Blueprint Genetics
Classification: Uncertain significance. Last evaluated: 2022-06-06. Review status: criteria provided, single submitter. Criteria: ACMG Guidelines, 2015. Collection method: clinical testing. Allele origin: germline.